The following is an entry in ClinVar:

ClinVar aggregate classification (germline): Likely benign (1 of 4 stars; one submission).

gnomAD v4.1: 3 of 1,612,750 alleles (0.00019%); highest among the groups gnomAD compares: South Asian, 0.0011%; no homozygotes.

Submission:

CeGaT Center for Human Genetics Tuebingen
Classification: Likely benign. Last evaluated: 2026-07-01. Review status: criteria provided, single submitter. Criteria: CeGaT Center For Human Genetics Tuebingen Variant Classification Criteria Version 2. Collection method: clinical testing. Allele origin: germline. Affected: yes. Observed: 1 variant allele.
Comment: HCN2: BP4, BP7

NM_001194.4(HCN2):c.1740G>A (p.Lys580=)

Gene: HCN2 (hyperpolarization activated cyclic nucleotide gated potassium and sodium channel 2; plus strand). Cytogenetic location: 19p13.3.
Variant type: single nucleotide variant.
Coding change: c.1740G>A on transcript NM_001194.4 (MANE Select); coding-DNA position 1740, G replaced by A.
Protein change: p.Lys580=; no amino-acid change (lysine 580 retained).
Molecular consequence: synonymous variant.
Genome position (GRCh38, 1-based): chr19:613,403, G>A. VCF-style: chr19-613403-G-A. GRCh37 (hg19) VCF-style: chr19-613403-G-A.
Identifiers: ClinVar variation 5039765 (VCV005039765.1).
Genomic context (GRCh38, chr19:613,403, plus strand): 5'-CAAGTTCGAGGTCTTCCAGCCGGGTGACTACATCATCCGCGAAGGCACCATCGGGAAGAA[G>A]ATGTACTTCATCCAGCACGGCGTGGTCAGCGTGCTCACTAAGGGCAACAAGGAGATGAAG-3'
Protein context (NP_001185.3, residues 570-590): YIIREGTIGK[Lys580=]MYFIQHGVVS